The following is an entry in ClinVar:

ClinVar aggregate classification (germline): Uncertain significance. Review status: criteria provided, multiple submitters, no conflicts (2 of 4 stars). 6 submissions from 6 submitters: Uncertain significance (4). 2 of the submissions do not count toward it. Last evaluated 2025-02-02.

Conditions:
Autosomal recessive ataxia, Beauce type. Also called: Spinocerebellar ataxia, autosomal recessive 8; ATAXIA, RECESSIVE, OF BEAUCE; SYNE1-Related Autosomal Recessive Cerebellar Ataxia; SYNE1 Deficiency. Identifiers: Orphanet 88644, MedGen C1853116, MONDO:0012549, OMIM 610743.
Emery-Dreifuss muscular dystrophy 4, autosomal dominant (EDMD4). Also called: EMERY-DREIFUSS MUSCULAR DYSTROPHY 4 WITH VARIABLE FEATURES. Identifiers: Orphanet 261, MedGen C2751807, MONDO:0013071, OMIM 612998.

Allele frequency attached by ClinVar (database versions not stated): gnomAD exomes 0.00001; gnomAD 0.00002; TOPMed 0.00002.
gnomAD v4.1: 21 of 1,614,054 alleles (0.0013%); highest among the groups gnomAD compares: Non-Finnish European, 0.0018%; no homozygotes.

Submissions (6):

Mayo Clinic Laboratories, Mayo Clinic
Classification: Uncertain significance. Last evaluated: 2025-02-02. Review status: criteria provided, single submitter. Criteria: ACMG Guidelines, 2015. Collection method: clinical testing. Allele origin: germline. Observed: 1 variant allele.
Comment: BP4

Labcorp Genetics (formerly Invitae), Labcorp
Classification: Uncertain significance for Emery-Dreifuss muscular dystrophy 4, autosomal dominant; Autosomal recessive ataxia, Beauce type. Last evaluated: 2022-07-19. Review status: criteria provided, single submitter. Criteria: Invitae Variant Classification Sherloc (09022015). Collection method: clinical testing. Allele origin: germline.
Comment: This sequence change replaces histidine, which is basic and polar, with tyrosine, which is neutral and polar, at codon 7832 of the SYNE1 protein (p.His7832Tyr). This variant is present in population databases (no rsID available, gnomAD 0.003%). This variant has not been reported in the literature in individuals affected with SYNE1-related conditions. ClinVar contains an entry for this variant (Variation ID: 284134). Algorithms developed to predict the effect of missense changes on protein structure and function are either unavailable or do not agree on the potential impact of this missense change (SIFT: "Deleterious"; PolyPhen-2: "Benign"; Align-GVGD: "Class C0"). In summary, the available evidence is currently insufficient to determine the role of this variant in disease. Therefore, it has been classified as a Variant of Uncertain Significance.

Revvity Omics, Revvity
Classification: Uncertain significance. Last evaluated: 2019-12-03. Review status: criteria provided, single submitter. Criteria: ACMG Guidelines, 2015. Collection method: clinical testing. Allele origin: germline.

Eurofins Ntd Llc (ga)
Classification: Uncertain significance. Last evaluated: 2015-11-06. Review status: criteria provided, single submitter. Criteria: EGL Classification Definitions 2015. Collection method: clinical testing. Allele origin: germline. Observed: 1 variant allele, 1 heterozygote.

Clinical Genetics DNA and cytogenetics Diagnostics Lab, Erasmus MC, Erasmus Medical Center
Classification: Uncertain significance. Review status: no assertion criteria provided. Collection method: clinical testing. Allele origin: germline. Affected: yes. Study: VKGL Data-share Consensus. Not counted in ClinVar's aggregate classification.

Laboratory of Diagnostic Genome Analysis, Leiden University Medical Center (LUMC)
Classification: Uncertain significance. Review status: no assertion criteria provided. Collection method: clinical testing. Allele origin: germline. Affected: yes. Study: VKGL Data-share Consensus. Not counted in ClinVar's aggregate classification.

NM_182961.4(SYNE1):c.23707C>T (p.His7903Tyr)

Gene: SYNE1 (spectrin repeat containing nuclear envelope protein 1; minus strand). Cytogenetic location: 6q25.2.
Variant type: single nucleotide variant.
Coding change: c.23707C>T on transcript NM_182961.4 (MANE Select); coding-DNA position 23707, C replaced by T.
Protein change: p.His7903Tyr; replaces histidine 7903 with tyrosine.
Molecular consequence: missense variant.
Genome position (GRCh38, 1-based): chr6:152,164,246, G>A on the plus strand (C>T on the coding strand, the complement: SYNE1 is on the minus strand). VCF-style: chr6-152164246-G-A. GRCh37 (hg19) VCF-style: chr6-152485381-G-A.
Other names: p.His7832Tyr; c.313C>T, p.His105Tyr (NM_001347701.2); c.172C>T, p.His58Tyr (NM_001347702.2); c.23494C>T, p.His7832Tyr (NM_033071.5); short protein forms H7903Y, H7832Y, H58Y, H105Y.
Identifiers: ClinVar variation 284134 (VCV000284134.16), dbSNP rs886042801, ClinGen allele CA10604699.
Genomic context (GRCh38, chr6:152,164,246, plus strand): 5'-GTATTTCTTCCGAGTTACAGGAATCGTAGACTATTGGCTTGGCCAGCTCTGACTCGATGT[G>A]AGCGAGCCAGGTCCTCAGGCTGCTCATGTTCTTATCAAGCTGCTGCACGGCTACCAGGGT-3'
Protein context (NP_892006.3, residues 7893-7913): NMSSLRTWLA[His7903Tyr]IESELAKPIV